The following is an entry in ClinVar:

NM_001376.5(DYNC1H1):c.4883+6A>G

Gene: DYNC1H1 (dynein cytoplasmic 1 heavy chain 1; plus strand). Cytogenetic location: 14q32.31.
Variant type: single nucleotide variant.
Coding change: c.4883+6A>G on transcript NM_001376.5 (MANE Select); 6 bases into the intron after coding-DNA position 4883, A replaced by G.
Molecular consequence: intron variant.
Genome position (GRCh38, 1-based): chr14:102,002,971, A>G. VCF-style: chr14-102002971-A-G. GRCh37 (hg19) VCF-style: chr14-102469308-A-G.
Identifiers: ClinVar variation 4882964 (VCV004882964.2).
Genomic context (GRCh38, chr14:102,002,971, plus strand): 5'-AGATCCAGAAAGCATTGGGAGAATATCTGGAAAGAGAGCGGTCATCTTTCCCCAGGTAAG[A>G]TCCTTGCTTTGACTTGGCCTGGAGTCAAGTTGAATTTCAGTTGTGCATTTTTCCAGTGAT-3'

ClinVar aggregate classification (germline): Uncertain significance (1 of 4 stars; one submission).

gnomAD v4.1: 1 of 1,613,896 alleles (0.000062%); highest among the groups gnomAD compares: Admixed American, 0.0017%; no homozygotes.

Submission:

Dasa
Classification: Uncertain significance. Last evaluated: 2025-12-31. Review status: criteria provided, single submitter. Criteria: DASA Assertion Criteria. Collection method: clinical testing. Allele origin: germline.
Comment: NM_001376.5(DYNC1H1):c.4883+6A>G is a splice-region variant. This variant is rare in population databases. Computational prediction algorithms are consistent with a benign effect. The currently available literature and clinical evidence are not sufficient to establish a definitive association between this variant and the reported condition. Therefore, this variant is classified as a variant of uncertain significance.